The following is an entry in ClinVar:

NM_000038.6(APC):c.5181C>T (p.Cys1727=)

Gene: APC (APC regulator of Wnt signaling pathway; plus strand). Cytogenetic location: 5q22.2.
Variant type: single nucleotide variant.
Coding change: c.5181C>T on transcript NM_000038.6 (MANE Select); coding-DNA position 5181, C replaced by T.
Protein change: p.Cys1727=; no amino-acid change (cysteine 1727 retained).
Molecular consequence: synonymous variant.
Genome position (GRCh38, 1-based): chr5:112,840,775, C>T. VCF-style: chr5-112840775-C-T. GRCh37 (hg19) VCF-style: chr5-112176472-C-T.
Other names: c.5181C>T, p.Cys1727= (NM_001127510.3, NM_001354895.2); c.5127C>T, p.Cys1709= (NM_001127511.3); c.5235C>T, p.Cys1745= (NM_001354896.2); c.5211C>T, p.Cys1737= (NM_001354897.2); c.5106C>T, p.Cys1702= (NM_001354898.2); c.5097C>T, p.Cys1699= (NM_001354899.2); c.5058C>T, p.Cys1686= (NM_001354900.2); c.5004C>T, p.Cys1668= (NM_001354901.2); and 5 more.
Identifiers: ClinVar variation 490296 (VCV000490296.24), dbSNP rs1554086499, ClinGen allele CA446209627.
Genomic context (GRCh38, chr5:112,840,775, plus strand): 5'-TGTAACCATACCTGAATTGGATGACAATAAAGCAGAGGAAGGTGATATTCTTGCAGAATG[C>T]ATTAATTCTGCTATGCCCAAAGGGAAAAGTCACAAGCCTTTCCGTGTGAAAAAGATAATG-3'
Protein context (NP_000029.2, residues 1717-1737): KAEEGDILAE[Cys1727=]INSAMPKGKS

ClinVar aggregate classification (germline): Benign/Likely benign. Review status: criteria provided, multiple submitters, no conflicts (2 of 4 stars). 10 submissions from 10 submitters: Benign (2); Likely benign (7). 1 of the submissions does not count toward it. Last evaluated 2026-03-17.

Conditions:
APC-related disorder. Also called: APC-related condition.
Classic or attenuated familial adenomatous polyposis. Identifiers: MedGen CN372698, MONDO:0021057.
Hereditary cancer-predisposing syndrome. Also called: Neoplastic Syndromes, Hereditary; Hereditary Cancer Syndrome; Tumor predisposition; Hereditary neoplastic syndrome. Identifiers: Orphanet 140162, MedGen C0027672, MeSH D009386, MONDO:0015356.
Familial adenomatous polyposis 1 (FAP1). Also called: FAMILIAL ADENOMATOUS POLYPOSIS 1, ATTENUATED; POLYPOSIS, ADENOMATOUS INTESTINAL. Identifiers: MedGen C2713442, MONDO:0021056, OMIM 175100. Disease mechanism: loss of function.

Allele frequency attached by ClinVar (database versions not stated): TOPMed below 0.00001; gnomAD 0.00003.
gnomAD v4.1: 4 of 1,613,158 alleles (0.00025%); highest among the groups gnomAD compares: African/African-American, 0.0053%; no homozygotes.

Submissions (10):

PreventionGenetics, part of Exact Sciences
Classification: Likely benign for APC-related condition. Last evaluated: 2026-03-17. Review status: criteria provided, single submitter. Criteria: ACMG Guidelines, 2015. Collection method: clinical testing. Allele origin: germline.
Comment: This variant is classified as likely benign based on ACMG/AMP sequence variant interpretation guidelines (Richards et al. 2015 PMID: 25741868, with internal and published modifications).

Labcorp Genetics (formerly Invitae), Labcorp
Classification: Likely benign for Familial adenomatous polyposis 1. Last evaluated: 2026-01-07. Review status: criteria provided, single submitter. Criteria: Invitae Variant Classification Sherloc (09022015). Collection method: clinical testing. Allele origin: germline.

KCCC/NGS Laboratory, Kuwait Cancer Control Center
Classification: Benign for Familial adenomatous polyposis 1. Last evaluated: 2025-02-01. Review status: criteria provided, single submitter. Criteria: ACMG Guidelines, 2015. Collection method: clinical testing. Allele origin: germline. Affected: no.

Myriad Genetics, Inc.
Classification: Benign for Familial adenomatous polyposis 1. Last evaluated: 2024-04-01. Review status: criteria provided, single submitter. Criteria: Myriad Autosomal Dominant, Autosomal Recessive and X-Linked Classification Criteria (2023). Collection method: clinical testing. Allele origin: unknown.
Comment: This variant is considered benign. This variant is a silent/synonymous amino acid change and it is not expected to impact splicing.

All of Us Research Program, National Institutes of Health
Classification: Likely benign for Classic or attenuated familial adenomatous polyposis. Last evaluated: 2023-10-02. Review status: criteria provided, single submitter. Criteria: ACMG Guidelines, 2015. Collection method: clinical testing. Allele origin: germline. Inheritance: Autosomal dominant inheritance. Observed: 1 variant allele, 1 heterozygote.
Comment: This study involves interpretation of variants in research participants for the purpose of population health screening. Participant phenotype was not available at the time of variant classification. Additional details can be found in publication PMID: 35346344, PMCID: PMC8962531

Blueprint Genetics
Classification: Likely benign. Last evaluated: 2019-12-03. Review status: criteria provided, single submitter. Criteria: ACMG Guidelines, 2015. Collection method: clinical testing. Allele origin: germline.

Ambry Genetics
Classification: Likely benign for Hereditary cancer-predisposing syndrome. Last evaluated: 2019-09-05. Review status: criteria provided, single submitter. Criteria: Ambry Variant Classification Scheme 2023. Collection method: clinical testing. Allele origin: germline.

Women's Health and Genetics/Laboratory Corporation of America, LabCorp
Classification: Likely benign. Last evaluated: 2019-08-20. Review status: criteria provided, single submitter. Criteria: LabCorp Variant Classification Summary - May 2015. Collection method: clinical testing. Allele origin: germline.

Color Diagnostics, LLC DBA Color Health
Classification: Likely benign for Hereditary cancer-predisposing syndrome. Last evaluated: 2017-08-14. Review status: criteria provided, single submitter. Criteria: ACMG Guidelines, 2015. Collection method: clinical testing. Allele origin: germline.

Department of Pathology and Laboratory Medicine, Sinai Health System
Classification: Likely benign for Familial adenomatous polyposis 1. Review status: no assertion criteria provided. Collection method: clinical testing. Allele origin: unknown. Affected: yes. Study: The Canadian Open Genetics Repository (COGR). Not counted in ClinVar's aggregate classification.
Comment: The APC p.Cys1727= variant was not identified in the literature nor was it identified in the dbSNP, LOVD 3.0, or in UMD-LSDB databases. The variant was identified in ClinVar (classified as likely benign by Color). The variant was not identified in the following control databases: the Exome Aggregation Consortium (August 8th 2016) or the Genome Aggregation Database (Feb 27, 2017). The p.Cys1727= variant is not expected to have clinical significance because it does not result in a change of amino acid and is not located in a known consensus splice site. In addition, in silico or computational prediction software programs (SpliceSiteFinder, MaxEntScan, NNSPLICE, GeneSplicer) do not predict a difference in splicing. In summary, based on the above information, the clinical significance of this variant cannot be determined with certainty at this time although we would lean towards a more benign role for this variant. This variant is classified as likely benign.